The following is an entry in ClinVar:

NM_006766.5(KAT6A):c.2533C>G (p.Arg845Gly)

Gene: KAT6A (lysine acetyltransferase 6A; minus strand). Cytogenetic location: 8p11.21.
Variant type: single nucleotide variant.
Coding change: c.2533C>G on transcript NM_006766.5 (MANE Select); coding-DNA position 2533, C replaced by G.
Protein change: p.Arg845Gly; replaces arginine 845 with glycine.
Molecular consequence: missense variant.
Genome position (GRCh38, 1-based): chr8:41,941,348, G>C on the plus strand (C>G on the coding strand, the complement: KAT6A is on the minus strand). VCF-style: chr8-41941348-G-C. GRCh37 (hg19) VCF-style: chr8-41798866-G-C.
Other names: short protein forms R845G.
Identifiers: ClinVar variation 2094740 (VCV002094740.4), dbSNP rs145797427, ClinGen allele CA371072218.

ClinVar aggregate classification (germline): Uncertain significance (1 of 4 stars; one submission).

gnomAD v4.1: 2 of 1,612,386 alleles (0.00012%); highest among the groups gnomAD compares: Non-Finnish European, 0.00017%; no homozygotes.

Submission:

Labcorp Genetics (formerly Invitae), Labcorp
Classification: Uncertain significance. Last evaluated: 2025-03-13. Review status: criteria provided, single submitter. Criteria: Invitae Variant Classification Sherloc (09022015). Collection method: clinical testing. Allele origin: germline.
Comment: This sequence change replaces arginine, which is basic and polar, with glycine, which is neutral and non-polar, at codon 845 of the KAT6A protein (p.Arg845Gly). This variant is not present in population databases (gnomAD no frequency). This variant has not been reported in the literature in individuals affected with KAT6A-related conditions. ClinVar contains an entry for this variant (Variation ID: 2094740). Invitae Evidence Modeling of protein sequence and biophysical properties (such as structural, functional, and spatial information, amino acid conservation, physicochemical variation, residue mobility, and thermodynamic stability) indicates that this missense variant is not expected to disrupt KAT6A protein function with a negative predictive value of 95%. In summary, the available evidence is currently insufficient to determine the role of this variant in disease. Therefore, it has been classified as a Variant of Uncertain Significance.